The following is an entry in ClinVar:

ClinVar aggregate classification (germline): Uncertain significance. Review status: criteria provided, multiple submitters, no conflicts (2 of 4 stars). 5 submissions from 5 submitters: Uncertain significance (5). Last evaluated 2025-04-23.

Conditions:
Cardiovascular phenotype. Identifiers: MedGen CN230736.
Catecholaminergic polymorphic ventricular tachycardia (CVPT). Also called: Catecholamine-induced polymorphic ventricular tachycardia. Identifiers: Orphanet 3286, MedGen C5574922, MONDO:0017990.
Cardiomyopathy (CMYO). Also called: Cardiomyopathies. Identifiers: Orphanet 167848, MedGen C0878544, MONDO:0004994, HP:0001638. Inheritance: Various modes of inheritance.
Catecholaminergic polymorphic ventricular tachycardia 1. Also called: VENTRICULAR TACHYCARDIA, STRESS-INDUCED POLYMORPHIC 1; VENTRICULAR TACHYCARDIA, CATECHOLAMINERGIC POLYMORPHIC, 1, WITH OR WITHOUT ATRIAL DYSFUNCTION AND/OR DILATED CARDIOMYOPATHY; RYR2-Related Catecholaminergic Polymorphic Ventricular Tachycardia. Identifiers: Orphanet 3286, MedGen C1631597, MONDO:0011484, OMIM 604772.

Allele frequency attached by ClinVar (database versions not stated): gnomAD exomes 0.00001; TOPMed 0.00001.
gnomAD v4.1: 6 of 1,613,996 alleles (0.00037%); highest among the groups gnomAD compares: Non-Finnish European, 0.00051%; no homozygotes.

Submissions (5):

Labcorp Genetics (formerly Invitae), Labcorp
Classification: Uncertain significance for Catecholaminergic polymorphic ventricular tachycardia 1. Last evaluated: 2025-04-23. Review status: criteria provided, single submitter. Criteria: Invitae Variant Classification Sherloc (09022015). Collection method: clinical testing. Allele origin: germline.
Comment: This sequence change replaces valine, which is neutral and non-polar, with alanine, which is neutral and non-polar, at codon 4298 of the RYR2 protein (p.Val4298Ala). This variant is not present in population databases (gnomAD no frequency). This variant has not been reported in the literature in individuals affected with RYR2-related conditions. ClinVar contains an entry for this variant (Variation ID: 463561). Invitae Evidence Modeling of protein sequence and biophysical properties (such as structural, functional, and spatial information, amino acid conservation, physicochemical variation, residue mobility, and thermodynamic stability) indicates that this missense variant is not expected to disrupt RYR2 protein function with a negative predictive value of 95%. In summary, the available evidence is currently insufficient to determine the role of this variant in disease. Therefore, it has been classified as a Variant of Uncertain Significance.

Ambry Genetics
Classification: Uncertain significance for Cardiovascular phenotype. Last evaluated: 2024-10-01. Review status: criteria provided, single submitter. Criteria: Ambry Variant Classification Scheme 2023. Collection method: clinical testing. Allele origin: germline.
Comment: The p.V4298A variant (also known as c.12893T>C), located in coding exon 90 of the RYR2 gene, results from a T to C substitution at nucleotide position 12893. The valine at codon 4298 is replaced by alanine, an amino acid with similar properties. This amino acid position is not well conserved in available vertebrate species. In addition, this alteration is predicted to be tolerated by in silico analysis. Based on the available evidence, the clinical significance of this variant remains unclear.

Color Diagnostics, LLC DBA Color Health
Classification: Uncertain significance for Cardiomyopathy. Last evaluated: 2023-12-05. Review status: criteria provided, single submitter. Criteria: ACMG Guidelines, 2015. Collection method: clinical testing. Allele origin: germline.
Comment: This missense variant replaces valine with alanine at codon 4298 of the RYR2 protein. Computational prediction tools and conservation analyses suggest that this variant may not impact the protein function. Computational splicing tools suggest that this variant may not impact RNA splicing. To our knowledge, functional assays have not been performed for this variant nor has this variant been reported in individuals affected with cardiovascular disorders in the literature. This variant has not been identified in the general population by the Genome Aggregation Database (gnomAD). Available evidence is insufficient to determine the role of this variant in disease conclusively. Therefore, this variant is classified as a Variant of Uncertain Significance.

All of Us Research Program, National Institutes of Health
Classification: Uncertain significance for Catecholaminergic polymorphic ventricular tachycardia. Last evaluated: 2023-06-28. Review status: criteria provided, single submitter. Criteria: ACMG Guidelines, 2015. Collection method: clinical testing. Allele origin: germline. Inheritance: Autosomal dominant inheritance. Observed: 1 variant allele, 1 heterozygote.
Comment: This missense variant replaces valine with alanine at codon 4298 of the RYR2 protein. Computational prediction tools and conservation analyses suggest that this variant may not impact the protein function. Computational splicing tools suggest that this variant may not impact RNA splicing. To our knowledge, functional assays have not been performed for this variant nor has this variant been reported in individuals affected with cardiovascular disorders in the literature. This variant has not been identified in the general population by the Genome Aggregation Database (gnomAD). Available evidence is insufficient to determine the role of this variant in disease conclusively. Therefore, this variant is classified as a Variant of Uncertain Significance.

This study involves interpretation of variants in research participants for the purpose of population health screening. Participant phenotype was not available at the time of variant classification. Additional details can be found in publication PMID: 35346344, PMCID: PMC8962531

GeneDx
Classification: Uncertain significance. Last evaluated: 2021-08-09. Review status: criteria provided, single submitter. Criteria: GeneDx Variant Classification Process June 2021. Collection method: clinical testing. Allele origin: germline. Affected: yes.
Comment: Has not been previously published as pathogenic or benign to our knowledge Reported in ClinVar as a variant of uncertain significance (ClinVar Variant ID# 463561 ; Landrum et al., 2016) Not observed in large population cohorts (Lek et al., 2016) In silico analysis supports that this missense variant does not alter protein structure/function Located in one of the three hot-spot regions of the RYR2 gene, where the majority of pathogenic missense variants occur (Medeiros-Domingo et al., 2009)

NM_001035.3(RYR2):c.12893T>C (p.Val4298Ala)

Genes: RYR2 (ryanodine receptor 2; plus strand), LOC126806068 (BRD4-independent group 4 enhancer GRCh37_chr1:237947411-237948610; plus strand). Cytogenetic location: 1q43.
Variant type: single nucleotide variant.
Coding change: c.12893T>C on transcript NM_001035.3 (MANE Select); coding-DNA position 12893, T replaced by C.
Protein change: p.Val4298Ala; replaces valine 4298 with alanine.
Molecular consequence: missense variant.
Genome position (GRCh38, 1-based): chr1:237,784,605, T>C. VCF-style: chr1-237784605-T-C. GRCh37 (hg19) VCF-style: chr1-237947905-T-C.
Other names: c.12893T>C, p.Val4298Ala (LRG_402t1); short protein forms V4298A.
Identifiers: ClinVar variation 463561 (VCV000463561.19), dbSNP rs984942880, ClinGen allele CA39828072.
Genomic context (GRCh38, chr1:237,784,605, plus strand): 5'-ACATGGTCACGGCCTTCTTTTCATCCTACTGGAGTATTTTCATGACCCTCTTGCACTTCG[T>C]GGCCAGCGTTTTCAGAGGCTTTTTCCGCATCATTTGCAGCCTGCTGCTTGGGGGAAGCCT-3'
Protein context (NP_001026.2, residues 4288-4308): WSIFMTLLHF[Val4298Ala]ASVFRGFFRI